The following is an entry in ClinVar:

NM_006269.2(RP1):c.3943T>C (p.Cys1315Arg)

Gene: RP1 (RP1 axonemal microtubule associated; plus strand). Cytogenetic location: 8q12.1.
Variant type: single nucleotide variant.
Coding change: c.3943T>C on transcript NM_006269.2 (MANE Select); coding-DNA position 3943, T replaced by C.
Protein change: p.Cys1315Arg; replaces cysteine 1315 with arginine.
Molecular consequence: missense variant. On other transcripts: intron variant (1).
Genome position (GRCh38, 1-based): chr8:54,627,825, T>C. VCF-style: chr8-54627825-T-C. GRCh37 (hg19) VCF-style: chr8-55540385-T-C.
Other names: c.787+5537T>C (NM_001375654.1); short protein forms C1315R.
Identifiers: ClinVar variation 941589 (VCV000941589.9), dbSNP rs372769505, ClinGen allele CA4751773.

ClinVar aggregate classification (germline): Uncertain significance (1 of 4 stars; one submission).

Allele frequency attached by ClinVar (database versions not stated): gnomAD exomes below 0.00001 and 0.00001; ExAC 0.00001; gnomAD 0.00004; TOPMed 0.00005; ESP Exome Variant Server 0.00008.
gnomAD v4.1: 10 of 1,614,072 alleles (0.00062%); highest among the groups gnomAD compares: African/African-American, 0.013%; no homozygotes.

Submission:

Labcorp Genetics (formerly Invitae), Labcorp
Classification: Uncertain significance. Last evaluated: 2022-10-19. Review status: criteria provided, single submitter. Criteria: Invitae Variant Classification Sherloc (09022015). Collection method: clinical testing. Allele origin: germline.
Comment: This variant has not been reported in the literature in individuals affected with RP1-related conditions. This variant is present in population databases (rs372769505, gnomAD 0.02%). This sequence change replaces cysteine, which is neutral and slightly polar, with arginine, which is basic and polar, at codon 1315 of the RP1 protein (p.Cys1315Arg). ClinVar contains an entry for this variant (Variation ID: 941589). In summary, the available evidence is currently insufficient to determine the role of this variant in disease. Therefore, it has been classified as a Variant of Uncertain Significance. Algorithms developed to predict the effect of missense changes on protein structure and function (SIFT, PolyPhen-2, Align-GVGD) all suggest that this variant is likely to be tolerated.